The following is an entry in ClinVar:

NM_002640.4(SERPINB8):c.571A>T (p.Lys191Ter)

Gene: SERPINB8 (serpin family B member 8; plus strand). Cytogenetic location: 18q22.1.
Variant type: single nucleotide variant.
Coding change: c.571A>T on transcript NM_002640.4 (MANE Select); coding-DNA position 571, A replaced by T.
Protein change: p.Lys191Ter; replaces lysine 191 with a stop codon.
Molecular consequence: nonsense. On other transcripts: non-coding transcript variant (1).
Genome position (GRCh38, 1-based): chr18:63,985,096, A>T. VCF-style: chr18-63985096-A-T. GRCh37 (hg19) VCF-style: chr18-61652330-A-T.
Other names: c.571A>T, p.Lys191Ter (NM_001031848.2, NM_001348367.2, NM_001348368.2 and 3 more transcripts); c.25A>T, p.Lys9Ter (NM_001276490.2); c.31A>T, p.Lys11Ter (NM_001348370.2); short protein forms K191*, K11*, K9*.
Identifiers: ClinVar variation 4698502 (VCV004698502.1).

ClinVar aggregate classification (germline): Uncertain significance (1 of 4 stars; one submission).

gnomAD v4.1: 40 of 1,613,322 alleles (0.0025%); highest among the groups gnomAD compares: African/African-American, 0.045%; no homozygotes.

Submission:

Labcorp Genetics (formerly Invitae), Labcorp
Classification: Uncertain significance. Last evaluated: 2025-10-21. Review status: criteria provided, single submitter. Criteria: Invitae Variant Classification Sherloc (09022015). Collection method: clinical testing. Allele origin: germline.
Comment: This sequence change creates a premature translational stop signal (p.Lys191*) in the SERPINB8 gene. It is expected to result in an absent or disrupted protein product. However, the current clinical and genetic evidence is not sufficient to establish whether loss-of-function variants in SERPINB8 cause disease. This variant is present in population databases (rs148861499, gnomAD 0.05%). This variant has not been reported in the literature in individuals affected with SERPINB8-related conditions. In summary, the available evidence is currently insufficient to determine the role of this variant in disease. Therefore, it has been classified as a Variant of Uncertain Significance.